The following is an entry in ClinVar:

NM_020458.4(TTC7A):c.563G>T (p.Arg188Leu)

Genes: TTC7A (tetratricopeptide repeat domain 7A; plus strand), LOC126806211 (CDK7 strongly-dependent group 2 enhancer GRCh37_chr2:47201305-47202504; plus strand). Cytogenetic location: 2p21.
Variant type: single nucleotide variant.
Coding change: c.563G>T on transcript NM_020458.4 (MANE Select); coding-DNA position 563, G replaced by T.
Protein change: p.Arg188Leu; replaces arginine 188 with leucine.
Molecular consequence: missense variant. On other transcripts: 5 prime UTR variant (1).
Genome position (GRCh38, 1-based): chr2:46,975,018, G>T. VCF-style: chr2-46975018-G-T. GRCh37 (hg19) VCF-style: chr2-47202157-G-T.
Other names: c.563G>T, p.Arg188Leu (NM_001288951.2, LRG_1323t1); c.461G>T, p.Arg154Leu (NM_001288953.2); c.-342G>T (NM_001288955.2); short protein forms R154L, R188L.
Identifiers: ClinVar variation 445631 (VCV000445631.38), dbSNP rs147471840, ClinGen allele CA1647256.
Genomic context (GRCh38, chr2:46,975,018, plus strand): 5'-CTCTTCCTCCCGCAGGCCTCTCTCTGGAACGCCTACCCAACTCCATCGCCTCCCGCTTCC[G>T]CCTGACAGAGAGGGAGGAGGAAGTGATCACCTGTTTTGAGAGGGCCTCCTGGATCGCTCA-3'
Protein context (NP_065191.2, residues 178-198): RLPNSIASRF[Arg188Leu]LTEREEEVIT

ClinVar aggregate classification (germline): Benign/Likely benign. Review status: criteria provided, multiple submitters, no conflicts (2 of 4 stars). 3 submissions from 3 submitters: Benign (2); Likely benign (1). Last evaluated 2026-01-28.

Conditions:
Multiple gastrointestinal atresias. Also called: FAMILIAL INTESTINAL POLYATRESIA SYNDROME; Multiple intestinal atresia. Identifiers: Orphanet 2300, MedGen C0220744, MONDO:0009465.

Allele frequency attached by ClinVar (database versions not stated): TOPMed 0.00027; 1000 Genomes Project 30x 0.00406; 1000 Genomes Project 0.00479.
gnomAD v4.1: 2,233 of 1,614,032 alleles (0.14%); highest among the groups gnomAD compares: South Asian, 2.2%; 38 homozygotes.

Submissions (4):

Labcorp Genetics (formerly Invitae), Labcorp
Classification: Benign for Multiple gastrointestinal atresias. Last evaluated: 2026-01-28. Review status: criteria provided, single submitter. Criteria: Invitae Variant Classification Sherloc (09022015). Collection method: clinical testing. Allele origin: germline.

CeGaT Center for Human Genetics Tuebingen
Classification: Benign. Last evaluated: 2024-01-01. Review status: criteria provided, single submitter. Criteria: CeGaT Center For Human Genetics Tuebingen Variant Classification Criteria Version 2. Collection method: clinical testing. Allele origin: germline. Affected: yes. Observed: 2 variant alleles.
Comment: TTC7A: BP4, BS1, BS2

Center for Pediatric Genomic Medicine, Children's Mercy Hospital and Clinics
Classification: Likely benign. Last evaluated: 2017-05-30. Review status: criteria provided, single submitter. Criteria: ACMG Guidelines, 2015. Collection method: clinical testing. Allele origin: germline.

Dr. Peter K. Rogan Lab, Western University
No classification provided (evidence only). Condition: Colon adenocarcinoma. Review status: no classification provided. Collection method: in vitro. Allele origin: not applicable. Functional consequence: skipped exon. Not counted in ClinVar's aggregate classification.